The following is an entry in ClinVar:

ClinVar aggregate classification (germline): Likely benign. Review status: criteria provided, multiple submitters, no conflicts (2 of 4 stars). 4 submissions from 4 submitters: Likely benign (4). Last evaluated 2026-01-03.

Conditions:
Developmental and epileptic encephalopathy, 36 (DEE36). Also called: Epileptic encephalopathy, early infantile, 36; Congenital disorder of glycosylation, type Is; ALG13-CDG. Identifiers: Orphanet 324422, MedGen C4317295, MONDO:0010472, OMIM 300884.

Submissions (4):

Labcorp Genetics (formerly Invitae), Labcorp
Classification: Likely benign for Developmental and epileptic encephalopathy, 36. Last evaluated: 2026-01-03. Review status: criteria provided, single submitter. Criteria: Invitae Variant Classification Sherloc (09022015). Collection method: clinical testing. Allele origin: germline.

Blueprint Genetics
Classification: Likely benign. Last evaluated: 2024-10-02. Review status: criteria provided, single submitter. Criteria: ACMG Guidelines, 2015. Collection method: clinical testing. Allele origin: germline.

CeGaT Center for Human Genetics Tuebingen
Classification: Likely benign. Last evaluated: 2022-07-01. Review status: criteria provided, single submitter. Criteria: CeGaT Center For Human Genetics Tuebingen Variant Classification Criteria Version 2. Collection method: clinical testing. Allele origin: germline. Affected: yes. Observed: 1 variant allele.
Comment: ALG13: BP3, BS2

GeneDx
Classification: Likely benign. Last evaluated: 2020-02-25. Review status: criteria provided, single submitter. Criteria: GeneDx Variant Classification Process June 2021. Collection method: clinical testing. Allele origin: germline. Affected: yes.

NM_001099922.3(ALG13):c.2754ACC[10] (p.Pro941_Pro945del)

Gene: ALG13 (ALG13 UDP-N-acetylglucosaminyltransferase subunit; plus strand). Cytogenetic location: Xq23.
Variant type: Microsatellite.
Coding change: c.2754ACC[10] on transcript NM_001099922.3 (MANE Select); ten copies in a row of the 3-base unit ACC starting at c.2754; the reference has 15 copies in a row; five copies, 15 bases deleted; also written c.2784_2798del.
Protein change: p.Pro941_Pro945del.
Molecular consequence: inframe deletion. On other transcripts: intron variant (5).
Genome position (GRCh38, 1-based): chrX:111,744,756-111,744,770, ACCACCACCACCACC deleted; deleting any 15 consecutive bases within chrX:111,744,726-111,744,770 gives the same sequence; the position shown is the placement nearest the transcript's 3' end. VCF-style (leftmost placement, unchanged base first): chrX-111744725-TACCACCACCACCACC-T. GRCh37 (hg19) VCF-style: chrX-110987953-TACCACCACCACCACC-T.
Other names: c.2784_2798del (NM_001099922.2); c.2520ACC[10], p.Pro863_Pro867del (NM_001257231.2); c.2383+7847ACC[10] (NM_001257237.2, NM_001257234.2, NM_001257230.2); c.2209+7847ACC[10] (NM_001324293.1); c.2695+7847ACC[10] (NM_001324292.2).
Identifiers: ClinVar variation 517027 (VCV000517027.37), dbSNP rs750710267, ClinGen allele CA10493967.